The following is an entry in ClinVar:

NM_005618.4(DLL1):c.1267C>G (p.Leu423Val)

Gene: DLL1 (delta like canonical Notch ligand 1; minus strand). Cytogenetic location: 6q27.
Variant type: single nucleotide variant.
Coding change: c.1267C>G on transcript NM_005618.4 (MANE Select); coding-DNA position 1267, C replaced by G.
Protein change: p.Leu423Val; replaces leucine 423 with valine.
Molecular consequence: missense variant.
Genome position (GRCh38, 1-based): chr6:170,284,012, G>C on the plus strand (C>G on the coding strand, the complement: DLL1 is on the minus strand). VCF-style: chr6-170284012-G-C. GRCh37 (hg19) VCF-style: chr6-170593100-G-C.
Other names: short protein forms L423V.
Identifiers: ClinVar variation 1313407 (VCV001313407.2), dbSNP rs1479004128, ClinGen allele CA366507635.

ClinVar aggregate classification (germline): Uncertain significance (1 of 4 stars; one submission).

Allele frequency attached by ClinVar (database versions not stated): TOPMed below 0.00001.

Submission:

GeneDx
Classification: Uncertain significance. Last evaluated: 2020-02-16. Review status: criteria provided, single submitter. Criteria: GeneDx Variant Classification Process June 2021. Collection method: clinical testing. Allele origin: germline. Affected: yes.
Comment: Not observed in large population cohorts (Lek et al., 2016); In silico analysis supports that this missense variant does not alter protein structure/function; Has not been previously published as pathogenic or benign to our knowledge